The following is an entry in ClinVar:

ClinVar aggregate classification (germline): Uncertain significance. Review status: criteria provided, multiple submitters, no conflicts (2 of 4 stars). 5 submissions from 5 submitters: Uncertain significance (4). 1 of the submissions does not count toward it. Last evaluated 2025-08-12.

Conditions:
Retinal dystrophy. Also called: Inherited retinal dystrophy. Identifiers: Orphanet 71862, MedGen C0854723, MeSH D058499, MONDO:0019118, HP:0000556.

Allele frequency attached by ClinVar (database versions not stated): ESP Exome Variant Server 0.00008; gnomAD exomes 0.00009; ExAC 0.00011; TOPMed 0.00012; 1000 Genomes Project 30x 0.00016; gnomAD 0.00018 and 0.00019; 1000 Genomes Project 0.00020.

Submissions (5):

Labcorp Genetics (formerly Invitae), Labcorp
Classification: Uncertain significance. Last evaluated: 2025-08-12. Review status: criteria provided, single submitter. Criteria: Invitae Variant Classification Sherloc (09022015). Collection method: clinical testing. Allele origin: germline.
Comment: This sequence change replaces methionine, which is neutral and non-polar, with valine, which is neutral and non-polar, at codon 199 of the RGR protein (p.Met199Val). This variant is present in population databases (rs75812744, gnomAD 0.02%). This variant has not been reported in the literature in individuals affected with RGR-related conditions. ClinVar contains an entry for this variant (Variation ID: 807919). Experimental studies and prediction algorithms are not available or were not evaluated, and the functional significance of this variant is currently unknown. In summary, the available evidence is currently insufficient to determine the role of this variant in disease. Therefore, it has been classified as a Variant of Uncertain Significance.

Blueprint Genetics
Classification: Uncertain significance. Last evaluated: 2024-11-11. Review status: criteria provided, single submitter. Criteria: ACMG Guidelines, 2015. Collection method: clinical testing. Allele origin: germline.

Ambry Genetics
Classification: Uncertain significance. Last evaluated: 2022-10-26. Review status: criteria provided, single submitter. Criteria: Ambry Variant Classification Scheme 2023. Collection method: clinical testing. Allele origin: germline.

CeGaT Center for Human Genetics Tuebingen
Classification: Uncertain significance. Last evaluated: 2018-12-01. Review status: criteria provided, single submitter. Criteria: CeGaT Center For Human Genetics Tuebingen Variant Classification Criteria Version 2. Collection method: clinical testing. Allele origin: germline. Affected: yes. Observed: 1 variant allele.

Institute of Human Genetics, Univ. Regensburg, Univ. Regensburg
Classification: Uncertain significance for Retinal dystrophy. Last evaluated: 2013-01-01. Review status: no assertion criteria provided. Criteria: ACMG Guidelines, 2015. Collection method: clinical testing. Allele origin: germline. Affected: yes. Not counted in ClinVar's aggregate classification.

NM_001012720.2(RGR):c.595A>G (p.Met199Val)

Gene: RGR (retinal G protein coupled receptor; plus strand). Cytogenetic location: 10q23.1.
Variant type: single nucleotide variant.
Coding change: c.595A>G on transcript NM_001012720.2 (MANE Select); coding-DNA position 595, A replaced by G.
Protein change: p.Met199Val; replaces methionine 199 with valine.
Molecular consequence: missense variant.
Genome position (GRCh38, 1-based): chr10:84,254,408, A>G. VCF-style: chr10-84254408-A-G. GRCh37 (hg19) VCF-style: chr10-86014164-A-G.
Other names: c.595A>G, p.Met199Val (NM_001012722.2); c.607A>G, p.Met203Val (NM_002921.4); c.595A>G (NM_001012720.1); short protein forms M199V, M203V.
Identifiers: ClinVar variation 807919 (VCV000807919.50), dbSNP rs75812744, ClinGen allele CA5581500.